The following is an entry in ClinVar:

ClinVar aggregate classification (germline): Uncertain significance (1 of 4 stars; one submission).

Conditions:
Inborn genetic diseases. Identifiers: MedGen C0950123, MeSH D030342.

Submission:

Ambry Genetics
Classification: Uncertain significance for Inborn genetic diseases. Last evaluated: 2025-07-01. Review status: criteria provided, single submitter. Criteria: Ambry Variant Classification Scheme 2023. Collection method: clinical testing. Allele origin: germline.
Comment: The c.6900_6908delGGGCAGCGG (p.S2302_G2304del) alteration, located in coding exon 48 of the TRIO gene, results from an in-frame deletion of 9 nucleotides between positions c.6900 and c.6908. This results in the deletion of 3 amino acids between codons 2302 and 2304. This variant was not reported in population-based cohorts in the Genome Aggregation Database (gnomAD). Based on insufficient or conflicting evidence, the clinical significance of this alteration remains unclear.

NM_007118.4(TRIO):c.6900_6908del (p.2299SGG[1])

Gene: TRIO (trio Rho guanine nucleotide exchange factor; plus strand). Cytogenetic location: 5p15.2.
Variant type: Deletion.
Coding change: c.6900_6908del on transcript NM_007118.4 (MANE Select); coding-DNA positions 6900 to 6908, 9 bases deleted (GGGCAGCGG; older notation c.6900_6908delGGGCAGCGG).
Protein change: p.2299SGG[1].
Molecular consequence: non-coding transcript variant (on NR_134469.2).
Genome position (GRCh38, 1-based): chr5:14,487,528-14,487,536, GGGCAGCGG deleted; deleting any 9 consecutive bases within chr5:14,487,520-14,487,536 gives the same sequence; the c. name uses the placement nearest the transcript's 3' end. VCF-style (leftmost placement, unchanged base first): chr5-14487519-CGGCAGCGGG-C. GRCh37 (hg19) VCF-style: chr5-14487628-CGGCAGCGGG-C.
Identifiers: ClinVar variation 4191208 (VCV004191208.1).